The following is an entry in ClinVar:

NM_000329.3(RPE65):c.1056G>A (p.Glu352=)

Gene: RPE65 (retinoid isomerohydrolase RPE65; minus strand). Cytogenetic location: 1p31.3.
Variant type: single nucleotide variant.
Coding change: c.1056G>A on transcript NM_000329.3 (MANE Select); coding-DNA position 1056, G replaced by A.
Protein change: p.Glu352=; no amino-acid change (glutamic acid 352 retained).
Molecular consequence: synonymous variant.
Genome position (GRCh38, 1-based): chr1:68,438,259, C>T on the plus strand (G>A on the coding strand, the complement: RPE65 is on the minus strand). VCF-style: chr1-68438259-C-T. GRCh37 (hg19) VCF-style: chr1-68903942-C-T.
Other names: p.E352E:GAG>GAA; NM_000329.3(RPE65):c.1056G>A; p.Glu352=.
Identifiers: ClinVar variation 98820 (VCV000098820.22), dbSNP rs12145904, ClinGen allele CA285811.

ClinVar aggregate classification (germline): Benign. Review status: reviewed by expert panel (3 of 4 stars). 13 submissions from 11 submitters: Benign (1). 12 of the submissions do not count toward it. Last evaluated 2023-12-22.

Conditions:
Leber congenital amaurosis (LCA). Also called: Leber's amaurosis. Identifiers: Orphanet 65, MedGen C0339527, MeSH D057130, MONDO:0018998.
RPE65-related recessive retinopathy. Also called: Recessive RPE65 retinopathy. Identifiers: MedGen CN305526, MONDO:0100368.
Leber congenital amaurosis 2 (LCA2). Also called: AMAUROSIS CONGENITA OF LEBER II; Autosomal Recessive RPE65-Related Retinal Degeneration. Identifiers: Orphanet 65, MedGen C1859844, MONDO:0008765, OMIM 204100. Disease mechanism: loss of function.
Retinal dystrophy. Also called: Inherited retinal dystrophy. Identifiers: Orphanet 71862, MedGen C0854723, MeSH D058499, MONDO:0019118, HP:0000556.
Retinitis pigmentosa 20 (RP20). Identifiers: Orphanet 791, MedGen C3151086, MONDO:0013425, OMIM 613794.
Retinitis pigmentosa 87 with choroidal involvement. Identifiers: MedGen C5231465, MONDO:0032873, OMIM 618697.
Retinitis pigmentosa (RP). Identifiers: Orphanet 791, MedGen C0035334, MeSH D012174, MONDO:0019200, OMIM 268000. Inheritance: Autosomal dominant, autosomal recessive and X linked inheritance.

Allele frequency attached by ClinVar (database versions not stated): ESP Exome Variant Server 0.15600; gnomAD 0.15903 and 0.16115; TOPMed 0.16699; 1000 Genomes Project 30x 0.22064; 1000 Genomes Project 0.22384.
gnomAD v4.1: 216,709 of 1,613,238 alleles (13%); highest among the groups gnomAD compares: East Asian, 37%; 16,937 homozygotes.

Submissions (13):

ClinGen Leber Congenital Amaurosis/early Onset Retinal Dystrophy Variant Curation Expert Panel, ClinGen
Classification: Benign for RPE65-related recessive retinopathy. Last evaluated: 2023-12-22. Review status: reviewed by expert panel. Criteria: ClinGen LCAeoRD ACMG Specifications RPE65 V1.0.0. Collection method: curation. Allele origin: germline. Inheritance: Autosomal recessive inheritance.
Comment: The NM_000329.3:c.1056G>A variant is a synonymous variant in codon 352 of RPE65, and is present in gnomAD v.2.1.1 at a GrpMax allele frequency of 0.3944, with 8033 alleles / 19884 total alleles in the East Asian population with 1627 homozygotes, which is higher than the ClinGen LCA / eoRD VCEP BA1 threshold of >0.008 (BA1). The variant does not have a strong prediction of impact at splicing sites according to SpliceAI, which calculates a delta score of 0.12 for splice acceptor gain. Because this score is higher than the ClinGen LCA / eoRD VCEP BP4 / BP7 threshold of <0.1 and lower than the PP3 threshold of >0.2, no in silico predictive codes are met. In summary, this variant meets the criteria to be classified as benign for RPE65-related recessive retinopathy based on the ACMG/AMP criteria applied, as specified by the ClinGen LCA/eoRD VCEP: BA1. (VCEP specifications version 1.0.0; date of approval 09/21/2023).

Labcorp Genetics (formerly Invitae), Labcorp
Classification: Benign for Leber congenital amaurosis 2; Retinitis pigmentosa 20. Last evaluated: 2026-02-04. Review status: criteria provided, single submitter. Criteria: Invitae Variant Classification Sherloc (09022015). Collection method: clinical testing. Allele origin: germline. Not counted in ClinVar's aggregate classification.

Blueprint Genetics
Classification: Likely benign. Last evaluated: 2024-11-26. Review status: criteria provided, single submitter. Criteria: ACMG Guidelines, 2015. Collection method: clinical testing. Allele origin: germline. Not counted in ClinVar's aggregate classification.

Dept Of Ophthalmology, Nagoya University
Classification: Benign for Retinal dystrophy. Last evaluated: 2023-10-01. Review status: criteria provided, single submitter. Criteria: Submitter's publication. Collection method: research. Allele origin: germline. Affected: yes. Not counted in ClinVar's aggregate classification.

Genome-Nilou Lab
Classification: Benign for Leber congenital amaurosis 2. Last evaluated: 2021-07-01. Review status: criteria provided, single submitter. Criteria: ACMG Guidelines, 2015. Collection method: clinical testing. Allele origin: germline. Affected: no. Not counted in ClinVar's aggregate classification.

Genome-Nilou Lab
Classification: Benign for Retinitis pigmentosa 87 with choroidal involvement. Last evaluated: 2021-07-01. Review status: criteria provided, single submitter. Criteria: ACMG Guidelines, 2015. Collection method: clinical testing. Allele origin: germline. Affected: no. Not counted in ClinVar's aggregate classification.

Illumina Laboratory Services, Illumina
Classification: Benign for Retinitis pigmentosa. Last evaluated: 2018-01-12. Review status: criteria provided, single submitter. Criteria: ICSL Variant Classification Criteria 13 December 2019. Collection method: clinical testing. Allele origin: germline. Not counted in ClinVar's aggregate classification.
Comment: This variant was observed in the ICSL laboratory as part of a predisposition screen in an ostensibly healthy population. It had not been previously curated by ICSL or reported in the Human Gene Mutation Database (HGMD: prior to June 1st, 2018), and was therefore a candidate for classification through an automated scoring system. Utilizing variant allele frequency, disease prevalence and penetrance estimates, and inheritance mode, an automated score was calculated to assess if this variant is too frequent to cause the disease. Based on the score and internal cut-off values, a variant classified as benign is not then subjected to further curation. The score for this variant resulted in a classification of benign for this disease.

Illumina Laboratory Services, Illumina
Classification: Benign for Leber congenital amaurosis 2. Last evaluated: 2018-01-12. Review status: criteria provided, single submitter. Criteria: ICSL Variant Classification Criteria 13 December 2019. Collection method: clinical testing. Allele origin: germline. Not counted in ClinVar's aggregate classification.
Comment: the same text as in the submission from Illumina Laboratory Services, Illumina above.

GeneDx
Classification: Benign. Last evaluated: 2011-08-11. Review status: criteria provided, single submitter. Criteria: GeneDx Variant Classification (06012015). Collection method: clinical testing. Allele origin: germline. Affected: yes. Not counted in ClinVar's aggregate classification.
Comment: This variant is considered likely benign or benign based on one or more of the following criteria: it is a conservative change, it occurs at a poorly conserved position in the protein, it is predicted to be benign by multiple in silico algorithms, and/or has population frequency not consistent with disease.

Breakthrough Genomics
Classification: Benign. Review status: criteria provided, single submitter. Criteria: ACMG Guidelines, 2015. Collection method: not provided. Allele origin: germline. Inheritance: Autosomal recessive inheritance. Affected: yes. Not counted in ClinVar's aggregate classification.

PreventionGenetics, part of Exact Sciences
Classification: Benign. Review status: criteria provided, single submitter. Criteria: ACMG Guidelines, 2015. Collection method: clinical testing. Allele origin: germline. Not counted in ClinVar's aggregate classification.

Natera, Inc.
Classification: Benign for Leber congenital amaurosis. Last evaluated: 2020-09-16. Review status: no assertion criteria provided. Collection method: clinical testing. Allele origin: germline. Not counted in ClinVar's aggregate classification.

Retina International
No classification provided. Review status: no classification provided. Collection method: not provided. Allele origin: not provided. Not counted in ClinVar's aggregate classification.